The following is an entry in ClinVar:

NM_032043.3(BRIP1):c.2333C>G (p.Ala778Gly)

Gene: BRIP1 (BRCA1 interacting DNA helicase 1; minus strand). Cytogenetic location: 17q23.2.
Variant type: single nucleotide variant.
Coding change: c.2333C>G on transcript NM_032043.3 (MANE Select); coding-DNA position 2333, C replaced by G.
Protein change: p.Ala778Gly; replaces alanine 778 with glycine.
Molecular consequence: missense variant.
Genome position (GRCh38, 1-based): chr17:61,743,059, G>C on the plus strand (C>G on the coding strand, the complement: BRIP1 is on the minus strand). VCF-style: chr17-61743059-G-C. GRCh37 (hg19) VCF-style: chr17-59820420-G-C.
Other names: short protein forms A778G.
Identifiers: ClinVar variation 3759035 (VCV003759035.2).

ClinVar aggregate classification (germline): Uncertain significance (1 of 4 stars; one submission).

Conditions:
Fanconi anemia complementation group J. Also called: BRIP1-Related Fanconi Anemia. Identifiers: Orphanet 84, MedGen C1836860, MONDO:0012187, OMIM 609054.
Familial cancer of breast. Also called: BREAST CANCER, FAMILIAL; Hereditary breast cancer; hereditary breast carcinoma. Identifiers: Orphanet 227535, MedGen C0346153, MONDO:0016419, OMIM 114480. Disease mechanism: loss of function.

Submission:

Labcorp Genetics (formerly Invitae), Labcorp
Classification: Uncertain significance for Familial cancer of breast; Fanconi anemia complementation group J. Last evaluated: 2024-10-17. Review status: criteria provided, single submitter. Criteria: Invitae Variant Classification Sherloc (09022015). Collection method: clinical testing. Allele origin: germline.
Comment: This sequence change replaces alanine, which is neutral and non-polar, with glycine, which is neutral and non-polar, at codon 778 of the BRIP1 protein (p.Ala778Gly). This variant is not present in population databases (gnomAD no frequency). This variant has not been reported in the literature in individuals affected with BRIP1-related conditions. Invitae Evidence Modeling of protein sequence and biophysical properties (such as structural, functional, and spatial information, amino acid conservation, physicochemical variation, residue mobility, and thermodynamic stability) has been performed for this missense variant. However, the output from this modeling did not meet the statistical confidence thresholds required to predict the impact of this variant on BRIP1 protein function. In summary, the available evidence is currently insufficient to determine the role of this variant in disease. Therefore, it has been classified as a Variant of Uncertain Significance.